The following is an entry in ClinVar:

ClinVar aggregate classification (germline): Pathogenic. Review status: criteria provided, multiple submitters, no conflicts (2 of 4 stars). 4 submissions from 4 submitters: Pathogenic (3). 1 of the submissions does not count toward it. Last evaluated 2026-01-08.

Conditions:
Isovaleryl-CoA dehydrogenase deficiency (IVA). Also called: Classic Isovaleric Acidemia; ISOVALERIC ACID CoA DEHYDROGENASE DEFICIENCY; IVD DEFICIENCY; Isovaleric acidemia. Identifiers: Orphanet 33, MedGen C0268575, MONDO:0009475, OMIM 243500.

Submissions (4):

Natera, Inc.
Classification: Pathogenic for Isovaleryl-coa dehydrogenase deficiency. Last evaluated: 2026-01-08. Review status: criteria provided, single submitter. Criteria: Natera Variant Classification Schema (03/2026). Collection method: clinical testing. Allele origin: germline.
Comment: The c.879dupG variant in IVD is a frameshift variant predicted to shift the reading frame beginning at codon 294 and leads to a stop codon 38 codons downstream. This variant is expected to result in nonsense mediated decay, truncation, or a dysfunctional protein product. This variant is rare in the general population with a frequency below the threshold expected for the associated phenotype(s). This variant has been observed in one or more individuals affected with the associated recessive disease, as either homozygous or compound heterozygous with a second variant (PMID: 10677295). Functional studies show that this variant may disrupt protein function (PMID: 10677295). Given the available evidence, this variant is classified as Pathogenic.

Baylor Genetics
Classification: Pathogenic for Isovaleryl-CoA dehydrogenase deficiency. Last evaluated: 2023-11-09. Review status: criteria provided, single submitter. Criteria: ACMG Guidelines, 2015. Collection method: clinical testing. Allele origin: unknown.

Labcorp Genetics (formerly Invitae), Labcorp
Classification: Pathogenic for Isovaleryl-CoA dehydrogenase deficiency. Last evaluated: 2023-09-27. Review status: criteria provided, single submitter. Criteria: Invitae Variant Classification Sherloc (09022015). Collection method: clinical testing. Allele origin: germline.
Comment: For these reasons, this variant has been classified as Pathogenic. This sequence change creates a premature translational stop signal (p.Pro294Alafs*38) in the IVD gene. It is expected to result in an absent or disrupted protein product. Loss-of-function variants in IVD are known to be pathogenic (PMID: 16602101). The frequency data for this variant in the population databases is considered unreliable, as metrics indicate poor data quality at this position in the gnomAD database. This premature translational stop signal has been observed in individual(s) with isovaleric acidemia (PMID: 10677295). This variant is also known as iG870. ClinVar contains an entry for this variant (Variation ID: 459932). Studies have shown that this premature translational stop signal alters IVD gene expression (PMID: 10677295).

Counsyl
Classification: Likely pathogenic for Isovaleryl-CoA dehydrogenase deficiency. Last evaluated: 2015-03-17. Review status: no assertion criteria provided. Collection method: clinical testing. Allele origin: unknown. Not counted in ClinVar's aggregate classification.

Literature cited by the submitters: PubMed 10677295 (cited by 3 submitters); PubMed 16602101 (cited by Labcorp Genetics (formerly Invitae), Labcorp).

NM_002225.5(IVD):c.870dup (p.Pro291fs)

Gene: IVD (isovaleryl-CoA dehydrogenase; plus strand). Cytogenetic location: 15q15.1.
Variant type: Duplication.
Coding change: c.870dup on transcript NM_002225.5 (MANE Select); coding-DNA position 870, one base duplicated (G; older notation c.870dupG).
Protein change: p.Pro291fs; shifts the reading frame from proline 291.
Molecular consequence: frameshift variant. On other transcripts: non-coding transcript variant (1).
Genome position (GRCh38, 1-based): chr15:40,414,974, G duplicated; the last of 6 consecutive G bases (chr15:40,414,969-40,414,974); duplicating any one gives the same sequence. VCF-style (leftmost placement, unchanged base first): chr15-40414968-C-CG. GRCh37 (hg19) VCF-style: chr15-40707167-C-CG.
Other names: c.780dup, p.Pro261fs (NM_001159508.3); c.822dup, p.Pro275fs (NM_001354597.3); c.870dup, p.Pro291fs (NM_001354598.3, NM_001354601.3); c.957dup, p.Pro320fs (NM_001354599.3, NM_001354600.3); c.879dupG (NM_002225.3); short protein forms P261fs, P275fs, P320fs, P291fs.
Identifiers: ClinVar variation 459932 (VCV000459932.15), dbSNP rs759159766, ClinGen allele CA7480768.